The following is an entry in ClinVar:

ClinVar aggregate classification (germline): Uncertain significance. Review status: criteria provided, multiple submitters, no conflicts (2 of 4 stars). 2 submissions from 2 submitters: Uncertain significance (2). Last evaluated 2025-03-25.

Conditions:
Hereditary cancer-predisposing syndrome. Also called: Hereditary neoplastic syndrome; Tumor predisposition; Neoplastic Syndromes, Hereditary; Hereditary Cancer Syndrome. Identifiers: Orphanet 140162, MedGen C0027672, MeSH D009386, MONDO:0015356.
Gorlin syndrome. Also called: Nevoid Basal Cell Carcinoma Syndrome; Basal cell nevus syndrome. Identifiers: Orphanet 377, MedGen C0004779, MONDO:0007187.

Submissions (2):

Ambry Genetics
Classification: Uncertain significance for Hereditary cancer-predisposing syndrome. Last evaluated: 2025-03-25. Review status: criteria provided, single submitter. Criteria: Ambry Variant Classification Scheme 2023. Collection method: clinical testing. Allele origin: germline.
Comment: The p.I1085M variant (also known as c.3255C>G), located in coding exon 19 of the PTCH1 gene, results from a C to G substitution at nucleotide position 3255. The isoleucine at codon 1085 is replaced by methionine, an amino acid with highly similar properties. This amino acid position is conserved. In addition, this alteration is predicted to be deleterious by in silico analysis. Based on the available evidence, the clinical significance of this variant remains unclear.

Labcorp Genetics (formerly Invitae), Labcorp
Classification: Uncertain significance for Gorlin syndrome. Last evaluated: 2022-09-17. Review status: criteria provided, single submitter. Criteria: Invitae Variant Classification Sherloc (09022015). Collection method: clinical testing. Allele origin: germline.
Comment: In summary, the available evidence is currently insufficient to determine the role of this variant in disease. Therefore, it has been classified as a Variant of Uncertain Significance. This sequence change replaces isoleucine, which is neutral and non-polar, with methionine, which is neutral and non-polar, at codon 1085 of the PTCH1 protein (p.Ile1085Met). This variant is not present in population databases (gnomAD no frequency). This variant has not been reported in the literature in individuals affected with PTCH1-related conditions. Advanced modeling of protein sequence and biophysical properties (such as structural, functional, and spatial information, amino acid conservation, physicochemical variation, residue mobility, and thermodynamic stability) performed at Invitae indicates that this missense variant is not expected to disrupt PTCH1 protein function.

NM_000264.5(PTCH1):c.3255C>G (p.Ile1085Met)

Gene: PTCH1 (patched 1; minus strand). Cytogenetic location: 9q22.32.
Variant type: single nucleotide variant.
Coding change: c.3255C>G on transcript NM_000264.5 (MANE Select); coding-DNA position 3255, C replaced by G.
Protein change: p.Ile1085Met; replaces isoleucine 1085 with methionine.
Molecular consequence: missense variant. On other transcripts: non-coding transcript variant (1).
Genome position (GRCh38, 1-based): chr9:95,456,327, G>C on the plus strand (C>G on the coding strand, the complement: PTCH1 is on the minus strand). VCF-style: chr9-95456327-G-C. GRCh37 (hg19) VCF-style: chr9-98218609-G-C.
Other names: c.2802C>G, p.Ile934Met (NM_001083606.3, NM_001083607.3, NM_001083604.3 and 1 more transcripts); c.3099C>G, p.Ile1033Met (NM_001354918.2); c.3057C>G, p.Ile1019Met (NM_001083602.3); c.3252C>G, p.Ile1084Met (NM_001083603.3); short protein forms I1019M, I1033M, I1084M, I1085M, I934M.
Identifiers: ClinVar variation 1719632 (VCV001719632.7), dbSNP rs1206400803, ClinGen allele CA374112055.